The following is an entry in ClinVar:

ClinVar aggregate classification (germline): Uncertain significance (1 of 4 stars; one submission).

gnomAD v4.1: 5 of 1,614,124 alleles (0.00031%); highest among the groups gnomAD compares: Admixed American, 0.0083%; no homozygotes.

Submission:

Labcorp Genetics (formerly Invitae), Labcorp
Classification: Uncertain significance. Last evaluated: 2022-10-13. Review status: criteria provided, single submitter. Criteria: Invitae Variant Classification Sherloc (09022015). Collection method: clinical testing. Allele origin: germline.
Comment: In summary, the available evidence is currently insufficient to determine the role of this variant in disease. Therefore, it has been classified as a Variant of Uncertain Significance. Algorithms developed to predict the effect of missense changes on protein structure and function are either unavailable or do not agree on the potential impact of this missense change (SIFT: "Deleterious"; PolyPhen-2: "Benign"; Align-GVGD: "Class C35"). ClinVar contains an entry for this variant (Variation ID: 1467033). This variant has not been reported in the literature in individuals affected with WHRN-related conditions. This variant is present in population databases (rs558895210, gnomAD 0.006%). This sequence change replaces arginine, which is basic and polar, with serine, which is neutral and polar, at codon 497 of the WHRN protein (p.Arg497Ser).

NM_015404.4(WHRN):c.1491G>C (p.Arg497Ser)

Gene: WHRN (whirlin; minus strand). Cytogenetic location: 9q32.
Variant type: single nucleotide variant.
Coding change: c.1491G>C on transcript NM_015404.4 (MANE Select); coding-DNA position 1491, G replaced by C.
Protein change: p.Arg497Ser; replaces arginine 497 with serine.
Molecular consequence: missense variant.
Genome position (GRCh38, 1-based): chr9:114,423,449, C>G on the plus strand (G>C on the coding strand, the complement: WHRN is on the minus strand). VCF-style: chr9-114423449-C-G. GRCh37 (hg19) VCF-style: chr9-117185729-C-G.
Other names: c.342G>C, p.Arg114Ser (NM_001083885.3); c.1491G>C, p.Arg497Ser (NM_001173425.2); c.438G>C, p.Arg146Ser (NM_001346890.1); short protein forms R146S, R497S, R114S.
Identifiers: ClinVar variation 1467033 (VCV001467033.7), dbSNP rs558895210, ClinGen allele CA5205931.